The following is an entry in ClinVar:

ClinVar aggregate classification (germline): Pathogenic/Likely pathogenic. Review status: criteria provided, multiple submitters, no conflicts (2 of 4 stars). 7 submissions from 7 submitters: Pathogenic (6); Likely pathogenic (1). Last evaluated 2025-12-28.

Conditions:
Hereditary breast ovarian cancer syndrome. Also called: Hereditary breast and ovarian cancer; Breast and ovarian cancer; BRCA1- and BRCA2-Associated Hereditary Breast and Ovarian Cancer; Hereditary breast and ovarian cancer syndrome; Hereditary breast and ovarian cancer syndrome (HBOC); Hereditary breast and/or ovarian cancer syndrome. Identifiers: Orphanet 145, MedGen C0677776, MeSH D061325, MONDO:0003582. Disease mechanism: loss of function.
Familial cancer of breast. Also called: BREAST CANCER, FAMILIAL; hereditary breast carcinoma; Hereditary breast cancer. Identifiers: Orphanet 227535, MedGen C0346153, MONDO:0016419, OMIM 114480. Disease mechanism: loss of function.
Hereditary cancer-predisposing syndrome. Also called: Tumor predisposition; Hereditary Cancer Syndrome; Hereditary neoplastic syndrome; Neoplastic Syndromes, Hereditary. Identifiers: Orphanet 140162, MedGen C0027672, MeSH D009386, MONDO:0015356.
Breast-ovarian cancer, familial, susceptibility to, 2 (BROVCA2). Also called: BRCA2 Hereditary Breast and Ovarian Cancer. Identifiers: Orphanet 145, MedGen C2675520, MONDO:0012933, OMIM 612555. Disease mechanism: loss of function.

Allele frequency attached by ClinVar (database versions not stated): gnomAD exomes below 0.00001.
gnomAD v4.1: 1 of 1,604,200 alleles (0.000062%); highest among the groups gnomAD compares: Non-Finnish European, 0.000085%; no homozygotes.

Submissions (7):

Labcorp Genetics (formerly Invitae), Labcorp
Classification: Pathogenic for Hereditary breast ovarian cancer syndrome. Last evaluated: 2025-12-28. Review status: criteria provided, single submitter. Criteria: Invitae Variant Classification Sherloc (09022015). Collection method: clinical testing. Allele origin: germline.
Comment: This sequence change creates a premature translational stop signal (p.Ser1385*) in the BRCA2 gene. It is expected to result in an absent or disrupted protein product. Loss-of-function variants in BRCA2 are known to be pathogenic (PMID: 20104584). This variant is not present in population databases (gnomAD no frequency). This variant has not been reported in the literature in individuals affected with BRCA2-related conditions. ClinVar contains an entry for this variant (Variation ID: 531204). For these reasons, this variant has been classified as Pathogenic.

Ambry Genetics
Classification: Pathogenic for Hereditary cancer-predisposing syndrome. Last evaluated: 2024-10-28. Review status: criteria provided, single submitter. Criteria: Ambry Variant Classification Scheme 2023. Collection method: clinical testing. Allele origin: germline.
Comment: The p.S1385* pathogenic mutation (also known as c.4154C>G), located in coding exon 10 of the BRCA2 gene, results from a C to G substitution at nucleotide position 4154. This changes the amino acid from a serine to a stop codon within coding exon 10. This variant is considered to be rare based on population cohorts in the Genome Aggregation Database (gnomAD). This alteration is expected to result in loss of function by premature protein truncation or nonsense-mediated mRNA decay. As such, this alteration is interpreted as a disease-causing mutation.

GeneDx
Classification: Pathogenic. Last evaluated: 2024-09-27. Review status: criteria provided, single submitter. Criteria: GeneDx Variant Classification Process June 2021. Collection method: clinical testing. Allele origin: germline. Affected: yes.
Comment: Not observed at significant frequency in large population cohorts (gnomAD); Truncating variants in this gene are considered pathogenic by a well-established clinical consortium and/or database; Also known as 4382C>G; Nonsense variant predicted to result in protein truncation or nonsense mediated decay in a gene for which loss of function is a known mechanism of disease; Observed in individuals with BRCA2-related cancers (PMID: 24728189, 27208206); This variant is associated with the following publications: (PMID: 24728189, 27208206, 32377563)

Baylor Genetics
Classification: Pathogenic for Familial cancer of breast. Last evaluated: 2024-01-23. Review status: criteria provided, single submitter. Criteria: ACMG Guidelines, 2015. Collection method: clinical testing. Allele origin: unknown.

KCCC/NGS Laboratory, Kuwait Cancer Control Center
Classification: Pathogenic for Breast-ovarian cancer, familial, susceptibility to, 2. Last evaluated: 2023-06-06. Review status: criteria provided, single submitter. Criteria: ACMG Guidelines, 2015. Collection method: clinical testing. Allele origin: germline. Affected: yes.
Comment: A known pathogenic mutation in the BRCA2 gene was detected in this specimen (c.4154C>G). This sequence change creates a premature translational stop signal (p.Ser1385*) in the BRCA2 gene. It is expected to result in an absent or disrupted protein product. This variant is not present in population databases (ExAC no frequency). This variant has not been reported in the literature in individuals with BRCA2-related disease. Loss-of-function variants in BRCA2 are known to be pathogenic (PMID: 20104584). Therefore, this variant has been classified as Pathogenic.

AiLife Diagnostics
Classification: Likely pathogenic. Last evaluated: 2022-03-23. Review status: criteria provided, single submitter. Criteria: ACMG Guidelines, 2015. Collection method: clinical testing. Allele origin: germline. Affected: yes. Observed: 1 variant allele.

Genetics and Molecular Pathology, SA Pathology
Classification: Pathogenic for Breast-ovarian cancer, familial, susceptibility to, 2. Last evaluated: 2021-12-21. Review status: criteria provided, single submitter. Criteria: ACMG Guidelines, 2015. Collection method: clinical testing. Allele origin: germline. Affected: yes.

Literature cited by the submitters: PubMed 20104584 (cited by Labcorp Genetics (formerly Invitae), Labcorp).

NM_000059.4(BRCA2):c.4154C>G (p.Ser1385Ter)

Gene: BRCA2 (BRCA2 DNA repair associated; plus strand). Cytogenetic location: 13q13.1.
Variant type: single nucleotide variant.
Coding change: c.4154C>G on transcript NM_000059.4 (MANE Select); coding-DNA position 4154, C replaced by G.
Protein change: p.Ser1385Ter; replaces serine 1385 with a stop codon.
Molecular consequence: nonsense.
Genome position (GRCh38, 1-based): chr13:32,338,509, C>G. VCF-style: chr13-32338509-C-G. GRCh37 (hg19) VCF-style: chr13-32912646-C-G.
Other names: short protein forms S1385*.
Identifiers: ClinVar variation 531204 (VCV000531204.15), dbSNP rs886038101, ClinGen allele CA387780011.